The following is an entry in ClinVar:

NC_000011.9:g.(?_17426039)_(17430084_?)del

Gene: ABCC8 (ATP binding cassette subfamily C member 8; minus strand). Cytogenetic location: 11p15.1.
Variant type: Deletion.
Identifiers: ClinVar variation 3244726 (VCV003244726.1).

ClinVar aggregate classification (germline): Pathogenic (1 of 4 stars; one submission).

Submission:

Labcorp Genetics (formerly Invitae), Labcorp
Classification: Pathogenic. Last evaluated: 2023-10-24. Review status: criteria provided, single submitter. Criteria: Invitae Variant Classification Sherloc (09022015). Collection method: clinical testing. Allele origin: unknown.
Comment: This variant is a gross deletion of the genomic region encompassing exon(s) 23-28 of the ABCC8 gene. This deletion is out-of-frame, and is expected to create a premature termination codon and result in an absent or disrupted protein product. Loss-of-function variants in ABCC8 are known to be pathogenic (PMID: 20685672, 23345197). This variant has not been reported in the literature in individuals affected with ABCC8-related conditions. For these reasons, this variant has been classified as Pathogenic.

Literature cited by the submitters: PubMed 20685672; PubMed 23345197.